The following is an entry in ClinVar:

ClinVar aggregate classification (germline): Pathogenic. Review status: criteria provided, multiple submitters, no conflicts (2 of 4 stars). 4 submissions from 4 submitters: Pathogenic (2). 2 of the submissions do not count toward it. Last evaluated 2023-07-05.

Conditions:
Microcephalic primordial dwarfism due to RTTN deficiency (MSSP). Also called: MICROCEPHALY, SHORT STATURE, AND POLYMICROGYRIA; Microcephaly, short stature, and polymicrogyria with or without seizures. Identifiers: Orphanet 468631, MedGen C3553831, MONDO:0018764, OMIM 614833.

gnomAD v4.1: 4 of 1,603,188 alleles (0.00025%); no homozygotes.

Submissions (4):

GeneDx
Classification: Pathogenic. Last evaluated: 2023-07-05. Review status: criteria provided, single submitter. Criteria: GeneDx Variant Classification Process June 2021. Collection method: clinical testing. Allele origin: germline. Affected: yes.
Comment: Published RT-PCR analysis shows that this variant results in impaired splicing (Grandone et al., 2016, Vandervore et al., 2018); In silico analysis supports a deleterious effect on splicing; Not observed at significant frequency in large population cohorts (gnomAD); This variant is associated with the following publications: (PMID: 34402213, 26940245, 30879067, 30121372)

Child Neurology Department, Hôpital Universitaire de Bruxelles
Classification: Pathogenic for Microcephalic primordial dwarfism due to RTTN deficiency. Last evaluated: 2020-01-01. Review status: criteria provided, single submitter. Criteria: ACMG Guidelines, 2015. Collection method: clinical testing. Allele origin: inherited. Affected: yes.

OMIM
Classification: Pathogenic for MICROCEPHALY, SHORT STATURE, AND POLYMICROGYRIA. Last evaluated: 2019-04-03. Review status: no assertion criteria provided. Collection method: literature only. Allele origin: germline. Not counted in ClinVar's aggregate classification.

Service de Génétique Moléculaire, Hôpital Robert Debré
Classification: Pathogenic for Microcephalic primordial dwarfism due to RTTN deficiency. Review status: no assertion criteria provided. Collection method: clinical testing. Allele origin: unknown. Affected: yes. Not counted in ClinVar's aggregate classification.

Literature cited by the submitters: PubMed 26940245 (cited by OMIM); PubMed 30121372 (cited by OMIM).

NM_173630.4(RTTN):c.2953A>G (p.Arg985Gly)

Gene: RTTN (rotatin; minus strand). Cytogenetic location: 18q22.2.
Variant type: single nucleotide variant.
Coding change: c.2953A>G on transcript NM_173630.4 (MANE Select); coding-DNA position 2953, A replaced by G.
Protein change: p.Arg985Gly; replaces arginine 985 with glycine.
Molecular consequence: missense variant.
Genome position (GRCh38, 1-based): chr18:70,134,474, T>C on the plus strand (A>G on the coding strand, the complement: RTTN is on the minus strand). VCF-style: chr18-70134474-T-C. GRCh37 (hg19) VCF-style: chr18-67801710-T-C.
Other names: c.217A>G, p.Arg73Gly (NM_001318520.2); short protein forms R73G, R985G.
Identifiers: ClinVar variation 977819 (VCV000977819.6), dbSNP rs1451563103, ClinGen allele CA402695290.